The following is an entry in ClinVar:

NM_006767.4(LZTR1):c.91G>T (p.Asp31Tyr)

Genes: LZTR1 (leucine zipper like post translational regulator 1; plus strand), LOC130067016 (ATAC-STARR-seq lymphoblastoid silent region 13504; plus strand). Cytogenetic location: 22q11.21.
Variant type: single nucleotide variant.
Coding change: c.91G>T on transcript NM_006767.4 (MANE Select); coding-DNA position 91, G replaced by T.
Protein change: p.Asp31Tyr; replaces aspartic acid 31 with tyrosine.
Molecular consequence: missense variant.
Genome position (GRCh38, 1-based): chr22:20,982,462, G>T. VCF-style: chr22-20982462-G-T. GRCh37 (hg19) VCF-style: chr22-21336751-G-T.
Other names: short protein forms D31Y.
Identifiers: ClinVar variation 3541576 (VCV003541576.1).
Genomic context (GRCh38, chr22:20,982,462, plus strand): 5'-ATCGGGGCTGCGGCCCTGGCAGGCGGCGCGCGGTCCAAGGTAGCCCCGAGCGTGGACTTC[G>T]ACCATAGCTGCTCGGACAGTGTCGAGTACCTGACGCTCAACTTCGGGCCCTTCGAAACAG-3'
Protein context (NP_006758.2, residues 21-41): RSKVAPSVDF[Asp31Tyr]HSCSDSVEYL

ClinVar aggregate classification (germline): Uncertain significance (1 of 4 stars; one submission).

Conditions:
Hereditary cancer-predisposing syndrome. Also called: Hereditary Cancer Syndrome; Hereditary neoplastic syndrome; Tumor predisposition; Neoplastic Syndromes, Hereditary. Identifiers: Orphanet 140162, MedGen C0027672, MeSH D009386, MONDO:0015356.
Cardiovascular phenotype. Identifiers: MedGen CN230736.

Submission:

Ambry Genetics
Classification: Uncertain significance for Cardiovascular phenotype; Hereditary cancer-predisposing syndrome. Last evaluated: 2024-07-03. Review status: criteria provided, single submitter. Criteria: Ambry Variant Classification Scheme 2023. Collection method: clinical testing. Allele origin: germline.
Comment: The p.D31Y variant (also known as c.91G>T), located in coding exon 1 of the LZTR1 gene, results from a G to T substitution at nucleotide position 91. The aspartic acid at codon 31 is replaced by tyrosine, an amino acid with highly dissimilar properties. This amino acid position is conserved. In addition, the in silico prediction for this alteration is inconclusive. Based on the available evidence, the clinical significance of this variant remains unclear.